The following is an entry in ClinVar:

ClinVar aggregate classification (germline): Uncertain significance. Review status: criteria provided, multiple submitters, no conflicts (2 of 4 stars). 2 submissions from 2 submitters: Uncertain significance (2). Last evaluated 2022-07-19.

Allele frequency attached by ClinVar (database versions not stated): TOPMed 0.00003; gnomAD 0.00005 and 0.00006; 1000 Genomes Project 30x 0.00016; 1000 Genomes Project 0.00020.
gnomAD v4.1: 18 of 1,613,316 alleles (0.0011%); highest among the groups gnomAD compares: African/African-American, 0.016%; no homozygotes.

Submissions (2):

Labcorp Genetics (formerly Invitae), Labcorp
Classification: Uncertain significance. Last evaluated: 2022-07-19. Review status: criteria provided, single submitter. Criteria: Invitae Variant Classification Sherloc (09022015). Collection method: clinical testing. Allele origin: germline.
Comment: ClinVar contains an entry for this variant (Variation ID: 1430303). This variant has not been reported in the literature in individuals affected with SLC25A21-related conditions. This variant is present in population databases (rs201887460, gnomAD 0.02%). This sequence change replaces valine, which is neutral and non-polar, with aspartic acid, which is acidic and polar, at codon 287 of the SLC25A21 protein (p.Val287Asp). Algorithms developed to predict the effect of missense changes on protein structure and function are either unavailable or do not agree on the potential impact of this missense change (SIFT: "Deleterious"; PolyPhen-2: "Probably Damaging"; Align-GVGD: "Class C15"). In summary, the available evidence is currently insufficient to determine the role of this variant in disease. Therefore, it has been classified as a Variant of Uncertain Significance.

Ambry Genetics
Classification: Uncertain significance. Last evaluated: 2022-03-11. Review status: criteria provided, single submitter. Criteria: Ambry Variant Classification Scheme 2023. Collection method: clinical testing. Allele origin: germline.

NM_030631.4(SLC25A21):c.860T>A (p.Val287Asp)

Gene: SLC25A21 (solute carrier family 25 member 21; minus strand). Cytogenetic location: 14q13.3.
Variant type: single nucleotide variant.
Coding change: c.860T>A on transcript NM_030631.4 (MANE Select); coding-DNA position 860, T replaced by A.
Protein change: p.Val287Asp; replaces valine 287 with aspartic acid.
Molecular consequence: missense variant.
Genome position (GRCh38, 1-based): chr14:36,680,698, A>T on the plus strand (T>A on the coding strand, the complement: SLC25A21 is on the minus strand). VCF-style: chr14-36680698-A-T. GRCh37 (hg19) VCF-style: chr14-37149903-A-T.
Other names: c.860T>A, p.Val287Asp (NM_001171170.2); c.860T>A (NM_030631.3); short protein forms V287D.
Identifiers: ClinVar variation 1430303 (VCV001430303.7), dbSNP rs201887460, ClinGen allele CA258896483.
Genomic context (GRCh38, chr14:36,680,698, plus strand): 5'-GAAAAACACTTCATAGGCAATCACCAGTTCTCTTGAAGCCATGAATAGGTGTATTCATAA[A>T]CCAGCAGCATCACTGCACCACCTAGAAAAGAAAAGAGCTGTTTTTTATTGCAAATCCTCT-3'
Protein context (NP_085134.1, residues 277-297): LGPGGAVMLL[Val287Asp]YEYTYSWLQE